The following is an entry in ClinVar:

ClinVar aggregate classification (germline): Pathogenic. Review status: reviewed by expert panel (3 of 4 stars). 4 submissions from 4 submitters: Pathogenic (1). 3 of the submissions do not count toward it. Last evaluated 2016-10-18.

Conditions:
Breast-ovarian cancer, familial, susceptibility to, 1 (BROVCA1). Also called: OVARIAN CANCER, SUSCEPTIBILITY TO; BRCA1 Hereditary Breast and Ovarian Cancer. Identifiers: Orphanet 145, MedGen C2676676, MONDO:0011450, OMIM 604370. Disease mechanism: loss of function.

Submissions (4):

Evidence-based Network for the Interpretation of Germline Mutant Alleles (ENIGMA)
Classification: Pathogenic for Breast-ovarian cancer, familial, susceptibility to, 1. Last evaluated: 2016-10-18. Review status: reviewed by expert panel. Criteria: ENIGMA BRCA1/2 Classification Criteria (2015). Collection method: curation. Allele origin: germline.
Comment: Variant allele predicted to encode a truncated non-functional protein.

Department of Clinical Genetics, Copenhagen University Hospital, Rigshospitalet
Classification: Pathogenic for Breast-ovarian cancer, familial, susceptibility to, 1. Last evaluated: 2024-05-27. Review status: criteria provided, single submitter. Criteria: ACMG Guidelines, 2015. Collection method: clinical testing. Allele origin: germline. Affected: yes. Not counted in ClinVar's aggregate classification.
Comment: PVS1; PM2_supporting; PM5_PTC_Strong

Baylor Genetics
Classification: Pathogenic for Breast-ovarian cancer, familial, susceptibility to, 1. Last evaluated: 2023-04-19. Review status: criteria provided, single submitter. Criteria: ACMG Guidelines, 2015. Collection method: clinical testing. Allele origin: unknown. Not counted in ClinVar's aggregate classification.

Consortium of Investigators of Modifiers of BRCA1/2 (CIMBA), c/o University of Cambridge
Classification: Pathogenic for Breast-ovarian cancer, familial, susceptibility to, 1. Last evaluated: 2015-10-02. Review status: criteria provided, single submitter. Criteria: CIMBA Mutation Classification guidelines May 2016. Collection method: clinical testing. Allele origin: germline. Not counted in ClinVar's aggregate classification.

NM_007294.4(BRCA1):c.3377del (p.Pro1126fs)

Genes: BRCA1 (BRCA1 DNA repair associated; minus strand), LOC126862571 (BRD4-independent group 4 enhancer GRCh37_chr17:41243136-41244335; plus strand). Cytogenetic location: 17q21.31.
Variant type: Deletion.
Coding change: c.3377del on transcript NM_007294.4 (MANE Select); coding-DNA position 3377, one base deleted (C; older notation c.3377delC).
Protein change: p.Pro1126fs; shifts the reading frame from proline 1126.
Molecular consequence: frameshift variant. On other transcripts: intron variant (137).
Genome position (GRCh38, 1-based): chr17:43,092,154, G deleted on the plus strand (C on the coding strand, the reverse complement: BRCA1 is on the minus strand); the first of 2 consecutive G bases (chr17:43,092,154-43,092,155); deleting either gives the same sequence. VCF-style (leftmost placement, unchanged base first): chr17-43092153-TG-T. GRCh37 (hg19) VCF-style: chr17-41244170-TG-T.
Other names: 3496delC; c.3377delC (NM_007294.3); c.3164del, p.Pro1055fs (NM_001407571.1, NM_001407853.1, NM_001407894.1 and 9 more transcripts); c.3377del, p.Pro1126fs (NM_001407581.1, NM_001407582.1, NM_001407583.1 and 30 more transcripts); c.3374del, p.Pro1125fs (NM_001407587.1, NM_001407590.1, NM_001407591.1 and 22 more transcripts); c.3368del, p.Pro1123fs (NM_001407646.1, NM_001407647.1); c.3254del, p.Pro1085fs (NM_001407648.1, NM_001407664.1, NM_001407665.1 and 19 more transcripts); c.3251del, p.Pro1084fs (NM_001407649.1, NM_001407670.1, NM_001407671.1 and 11 more transcripts); and 43 more; short protein forms P1079fs, P1126fs, P1015fs, P1055fs, P1059fs, P1037fs, P1099fs, P1123fs.
Identifiers: ClinVar variation 54863 (VCV000054863.9), dbSNP rs397509061, ClinGen allele CA002189.